The following is an entry in ClinVar:

NM_001039876.3(SYNE4):c.96C>T (p.Thr32=)

Gene: SYNE4 (spectrin repeat containing nuclear envelope family member 4; minus strand). Cytogenetic location: 19q13.12.
Variant type: single nucleotide variant.
Coding change: c.96C>T on transcript NM_001039876.3 (MANE Select); coding-DNA position 96, C replaced by T.
Protein change: p.Thr32=; no amino-acid change (threonine 32 retained).
Molecular consequence: synonymous variant.
Genome position (GRCh38, 1-based): chr19:36,008,586, G>A on the plus strand (C>T on the coding strand, the complement: SYNE4 is on the minus strand). VCF-style: chr19-36008586-G-A. GRCh37 (hg19) VCF-style: chr19-36499488-G-A.
Other names: c.96C>T, p.Thr32= (NM_001297735.3).
Identifiers: ClinVar variation 227092 (VCV000227092.23), dbSNP rs138787817, ClinGen allele CA9394058.

ClinVar aggregate classification (germline): Benign/Likely benign. Review status: criteria provided, multiple submitters, no conflicts (2 of 4 stars). 5 submissions from 5 submitters: Benign (2); Likely benign (2). 1 of the submissions does not count toward it. Last evaluated 2026-02-01.

Conditions:
SYNE4-related disorder. Also called: SYNE4-related condition.

Allele frequency attached by ClinVar (database versions not stated): ESP Exome Variant Server 0.00041; TOPMed 0.00053; gnomAD exomes 0.00091 and 0.00230; 1000 Genomes Project 30x 0.00109; 1000 Genomes Project 0.00120; gnomAD 0.00145; ExAC 0.00196.
gnomAD v4.1: 1,639 of 1,613,952 alleles (0.1%); highest among the groups gnomAD compares: East Asian, 0.45%; 14 homozygotes.

Submissions (5):

CeGaT Center for Human Genetics Tuebingen
Classification: Likely benign. Last evaluated: 2026-02-01. Review status: criteria provided, single submitter. Criteria: CeGaT Center For Human Genetics Tuebingen Variant Classification Criteria Version 2. Collection method: clinical testing. Allele origin: germline. Affected: yes. Observed: 1 variant allele.
Comment: SYNE4: BP4, BP7, BS2

Labcorp Genetics (formerly Invitae), Labcorp
Classification: Benign. Last evaluated: 2026-01-25. Review status: criteria provided, single submitter. Criteria: Invitae Variant Classification Sherloc (09022015). Collection method: clinical testing. Allele origin: germline.

GeneDx
Classification: Likely benign. Last evaluated: 2020-12-31. Review status: criteria provided, single submitter. Criteria: GeneDx Variant Classification Process June 2021. Collection method: clinical testing. Allele origin: germline. Affected: yes.

Laboratory for Molecular Medicine, Mass General Brigham Personalized Medicine
Classification: Benign. Last evaluated: 2015-12-04. Review status: criteria provided, single submitter. Criteria: LMM Criteria. Collection method: clinical testing. Allele origin: germline. Observed: 5 variant alleles.
Comment: p.Thr32Thr in exon 1 of SYNE4: This variant is not expected to have clinical sig nificance because it has been identified in 1.3 % (86/6534) of Finnish chromosom es by the Exome Aggregation Consortium (ExAC; db SNP rs138787817).

PreventionGenetics, part of Exact Sciences
Classification: Benign for SYNE4-related condition. Last evaluated: 2019-06-04. Review status: no assertion criteria provided. Collection method: clinical testing. Allele origin: germline. Not counted in ClinVar's aggregate classification.
Comment: This variant is classified as benign based on ACMG/AMP sequence variant interpretation guidelines (Richards et al. 2015 PMID: 25741868, with internal and published modifications).